The following is an entry in ClinVar:

NC_000020.10:g.(?_62055510)_(62059808_?)dup

Gene: KCNQ2 (potassium voltage-gated channel subfamily Q member 2; minus strand). Cytogenetic location: 20q13.33.
Variant type: Duplication.
Identifiers: ClinVar variation 3248247 (VCV003248247.1).

ClinVar aggregate classification (germline): Uncertain significance (1 of 4 stars; one submission).

Conditions:
Developmental and epileptic encephalopathy. Identifiers: MedGen C5779964, MONDO:0100620.

Submission:

Labcorp Genetics (formerly Invitae), Labcorp
Classification: Uncertain significance for Early-infantile DEE. Last evaluated: 2023-04-28. Review status: criteria provided, single submitter. Criteria: Invitae Variant Classification Sherloc (09022015). Collection method: clinical testing. Allele origin: unknown.
Comment: In summary, the available evidence is currently insufficient to determine the role of this variant in disease. Therefore, it has been classified as a Variant of Uncertain Significance. Experimental studies and prediction algorithms are not available or were not evaluated, and the functional significance of this variant is currently unknown. This variant has not been reported in the literature in individuals affected with KCNQ2-related conditions. This variant results in a copy number gain of the genomic region encompassing exon(s) 10-11 of the KCNQ2 gene. While the exact position of this variant cannot be determined from the data, sub-genic copy number gains are generally in tandem (PMID: 25640679). This variant is predicted to be in-frame, and likely preserves the integrity of the reading frame.

Literature cited by the submitters: PubMed 25640679.